The following is an entry in ClinVar:

ClinVar aggregate classification (germline): Likely benign. Review status: criteria provided, multiple submitters, no conflicts (2 of 4 stars). 3 submissions from 3 submitters: Likely benign (3). Last evaluated 2025-10-24.

Allele frequency attached by ClinVar (database versions not stated): TOPMed 0.00005; gnomAD exomes 0.00014 and 0.00025; ExAC 0.00033; gnomAD 0.00057.
gnomAD v4.1: 232 of 1,613,442 alleles (0.014%); highest among the groups gnomAD compares: East Asian, 0.069%; 1 homozygote.

Submissions (3):

Labcorp Genetics (formerly Invitae), Labcorp
Classification: Likely benign. Last evaluated: 2025-10-24. Review status: criteria provided, single submitter. Criteria: Invitae Variant Classification Sherloc (09022015). Collection method: clinical testing. Allele origin: germline.

Blueprint Genetics
Classification: Likely benign. Last evaluated: 2024-09-25. Review status: criteria provided, single submitter. Criteria: ACMG Guidelines, 2015. Collection method: clinical testing. Allele origin: germline.

CeGaT Center for Human Genetics Tuebingen
Classification: Likely benign. Last evaluated: 2024-01-01. Review status: criteria provided, single submitter. Criteria: CeGaT Center For Human Genetics Tuebingen Variant Classification Criteria Version 2. Collection method: clinical testing. Allele origin: germline. Affected: yes. Observed: 3 variant alleles.
Comment: XPC: BP4, BP7

NM_004628.5(XPC):c.1812C>T (p.Ala604=)

Gene: XPC (XPC complex subunit, DNA damage recognition and repair factor; minus strand). Cytogenetic location: 3p25.1.
Variant type: single nucleotide variant.
Coding change: c.1812C>T on transcript NM_004628.5 (MANE Select); coding-DNA position 1812, C replaced by T.
Protein change: p.Ala604=; no amino-acid change (alanine 604 retained).
Molecular consequence: synonymous variant. On other transcripts: non-coding transcript variant (2), intron variant (1).
Genome position (GRCh38, 1-based): chr3:14,158,071, G>A on the plus strand (C>T on the coding strand, the complement: XPC is on the minus strand). VCF-style: chr3-14158071-G-A. GRCh37 (hg19) VCF-style: chr3-14199571-G-A.
Other names: c.1233C>T, p.Ala411= (NM_001354726.2); c.1812C>T, p.Ala604= (NM_001354727.2); c.1794C>T, p.Ala598= (NM_001354729.2); c.1626+186C>T (NM_001354730.2).
Identifiers: ClinVar variation 765196 (VCV000765196.35), dbSNP rs756484727, ClinGen allele CA2267356.